The following is an entry in ClinVar:

NM_024675.4(PALB2):c.1524del (p.Gly509fs)

Gene: PALB2 (partner and localizer of BRCA2; minus strand). Cytogenetic location: 16p12.2.
Variant type: Deletion.
Coding change: c.1524del on transcript NM_024675.4 (MANE Select); coding-DNA position 1524, one base deleted (T; older notation c.1524delT).
Protein change: p.Gly509fs; shifts the reading frame from glycine 509.
Molecular consequence: frameshift variant. On other transcripts: intron variant (3).
Genome position (GRCh38, 1-based): chr16:23,635,022, A deleted on the plus strand (T on the coding strand, the reverse complement: PALB2 is on the minus strand). VCF-style (leftmost placement, unchanged base first): chr16-23635021-CA-C. GRCh37 (hg19) VCF-style: chr16-23646342-CA-C.
Other names: c.1464del, p.Gly489fs (NM_001407296.1); c.1524del, p.Gly509fs (NM_001407297.1, NM_001407298.1, NM_001407299.1 and 3 more transcripts); c.639del, p.Gly214fs (NM_001407304.1, NM_001407305.1, NM_001407306.1 and 5 more transcripts); c.49-5747del (NM_001407314.1); c.-104-4553del (NM_001407313.1, NM_001407312.1); short protein forms G214fs, G489fs, G509fs.
Identifiers: ClinVar variation 2674134 (VCV002674134.1), dbSNP rs2506474686, ClinGen allele CA2695197462.
Genomic context (GRCh38, chr16:23,635,021, plus strand): 5'-GTTCACAATGATCTGATGCTGGGGTGCAGGCTGATTTTCTTTTTCCTGTGTATCTTCTAC[CA>C]GGTGCTTGGGCAACTGCCTTCCTAGACAAGTCATTATCTTCAGTGGGCCCAGCGGGAGAG-3'

ClinVar aggregate classification (germline): Pathogenic (1 of 4 stars; one submission).

Conditions:
Familial cancer of breast. Also called: Hereditary breast cancer; BREAST CANCER, FAMILIAL; hereditary breast carcinoma. Identifiers: Orphanet 227535, MedGen C0346153, MONDO:0016419, OMIM 114480. Disease mechanism: loss of function.

Submission:

Myriad Genetics, Inc.
Classification: Pathogenic for Familial cancer of breast. Last evaluated: 2023-09-08. Review status: criteria provided, single submitter. Criteria: Myriad Autosomal Dominant, Autosomal Recessive and X-Linked Classification Criteria (2023). Collection method: clinical testing. Allele origin: unknown.
Comment: This variant is considered pathogenic. This variant creates a frameshift predicted to result in premature protein truncation.